The following is an entry in ClinVar:

NM_005475.3(SH2B3):c.440G>C (p.Arg147Pro)

Gene: SH2B3 (SH2B adaptor protein 3; plus strand). Cytogenetic location: 12q24.12.
Variant type: single nucleotide variant.
Coding change: c.440G>C on transcript NM_005475.3 (MANE Select); coding-DNA position 440, G replaced by C.
Protein change: p.Arg147Pro; replaces arginine 147 with proline.
Molecular consequence: missense variant.
Genome position (GRCh38, 1-based): chr12:111,418,585, G>C. VCF-style: chr12-111418585-G-C. GRCh37 (hg19) VCF-style: chr12-111856389-G-C.
Other names: short protein forms R147P.
Identifiers: ClinVar variation 4163972 (VCV004163972.1).

ClinVar aggregate classification (germline): Uncertain significance (1 of 4 stars; one submission).

Conditions:
Inborn genetic diseases. Identifiers: MedGen C0950123, MeSH D030342.

Submission:

Ambry Genetics
Classification: Uncertain significance for Inborn genetic diseases. Last evaluated: 2025-07-31. Review status: criteria provided, single submitter. Criteria: Ambry Variant Classification Scheme 2023. Collection method: clinical testing. Allele origin: germline.
Comment: The p.R147P variant (also known as c.440G>C), located in coding exon 1 of the SH2B3 gene, results from a G to C substitution at nucleotide position 440. The arginine at codon 147 is replaced by proline, an amino acid with dissimilar properties. This amino acid position is conserved. In addition, this alteration is predicted to be tolerated by in silico analysis. Based on the available evidence, the clinical significance of this variant remains unclear.